The following is an entry in ClinVar:

NM_000089.4(COL1A2):c.1310A>T (p.Asp437Val)

Gene: COL1A2 (collagen type I alpha 2 chain; plus strand). Cytogenetic location: 7q21.3.
Variant type: single nucleotide variant.
Coding change: c.1310A>T on transcript NM_000089.4 (MANE Select); coding-DNA position 1310, A replaced by T.
Protein change: p.Asp437Val; replaces aspartic acid 437 with valine.
Molecular consequence: missense variant.
Genome position (GRCh38, 1-based): chr7:94,411,114, A>T. VCF-style: chr7-94411114-A-T. GRCh37 (hg19) VCF-style: chr7-94040426-A-T.
Other names: short protein forms D437V.
Identifiers: ClinVar variation 3760971 (VCV003760971.3).

ClinVar aggregate classification (germline): Uncertain significance. Review status: criteria provided, multiple submitters, no conflicts (2 of 4 stars). 2 submissions from 2 submitters: Uncertain significance (2). Last evaluated 2025-10-03.

Conditions:
Osteogenesis imperfecta type I (OI1). Also called: Lobstein's Disease; OSTEOGENESIS IMPERFECTA TARDA; OSTEOGENESIS IMPERFECTA WITH BLUE SCLERAE; Lobstein disease; Classic Non-deforming Osteogenesis Imperfecta with Blue Sclerae; Osteogenesis imperfecta type 1. Identifiers: Orphanet 216796, Orphanet 666, MedGen C0023931, MONDO:0008146, OMIM 166200. Disease mechanism: loss of function.
Ehlers-Danlos syndrome, classic type, 1 (EDSCL1). Also called: EDS I; Ehlers-Danlos Syndrome, Classic Type, COL5A1-Related; Ehlers-Danlos syndrome, type 1; EHLERS-DANLOS SYNDROME, GRAVIS TYPE; EHLERS-DANLOS SYNDROME, SEVERE CLASSIC TYPE. Identifiers: MedGen C0268335, MONDO:0019567, OMIM 130000.

gnomAD v4.1: 4 of 1,601,532 alleles (0.00025%); highest among the groups gnomAD compares: Non-Finnish European, 0.00034%; no homozygotes.

Submissions (2):

Labcorp Genetics (formerly Invitae), Labcorp
Classification: Uncertain significance for Osteogenesis imperfecta type I; Ehlers-Danlos syndrome, classic type, 1. Last evaluated: 2025-10-03. Review status: criteria provided, single submitter. Criteria: Invitae Variant Classification Sherloc (09022015). Collection method: clinical testing. Allele origin: germline.
Comment: This sequence change replaces aspartic acid, which is acidic and polar, with valine, which is neutral and non-polar, at codon 437 of the COL1A2 protein (p.Asp437Val). This variant is present in population databases (no rsID available, gnomAD 0.007%). This variant has not been reported in the literature in individuals affected with COL1A2-related conditions. ClinVar contains an entry for this variant (Variation ID: 3760971). Invitae Evidence Modeling of protein sequence and biophysical properties (such as structural, functional, and spatial information, amino acid conservation, physicochemical variation, residue mobility, and thermodynamic stability) has been performed for this missense variant. However, the output from this modeling did not meet the statistical confidence thresholds required to predict the impact of this variant on COL1A2 protein function. In summary, the available evidence is currently insufficient to determine the role of this variant in disease. Therefore, it has been classified as a Variant of Uncertain Significance.

Blueprint Genetics
Classification: Uncertain significance. Last evaluated: 2021-06-15. Review status: criteria provided, single submitter. Criteria: ACMG Guidelines, 2015. Collection method: clinical testing. Allele origin: germline.